The following is an entry in ClinVar:

ClinVar aggregate classification (germline): Likely pathogenic (1 of 4 stars; one submission).

Conditions:
Connective tissue disorder. Also called: Connective tissue disease. Identifiers: MedGen C0009782, MONDO:0003900.

Submission:

Victorian Clinical Genetics Services, Murdoch Childrens Research Institute
Classification: Likely pathogenic for Connective tissue disorder. Last evaluated: 2023-07-17. Review status: criteria provided, single submitter. Criteria: ACMG Guidelines, 2015. Collection method: clinical testing. Allele origin: germline. Inheritance: Autosomal recessive inheritance. Affected: yes.
Comment: Based on the classification scheme VCGS_Germline_v1.3.4, this variant is classified as Likely pathogenic. Following criteria are met: 0103 - Loss of function and gain of function are known mechanisms of disease in this gene. Biallelic loss of function (LoF) variants are associated with connective tissue disorder (MONDO:0003900), EFEMP1-related, while heterozygous gain of function (GoF) variants are associated with Doyne honeycomb degeneration of retina (also known as Doyne honeycomb retinal dystrophy, DHRD; MIM#126600) and juvenile-onset open angle glaucoma (JOAG; MONDO:0020367), EFEMP1-related (PMIDs: 34923728, 22031286, 31792352). Currently only the recurrent variant p.(Arg345Trp) is associated with DHRD, while GoF variants causing more significant protein retention are associated with JOAG (PMID: 34923728). (I) 0108 - This gene is associated with both recessive and dominant disease. Connective tissue disorder (MONDO:0003900), EFEMP1-related has an autosomal recessive mode of inheritance, while JOAG and DHRD are autosomal dominant. However, two DHRD families have been reported to have some affected individuals homozygous for the p.(Arg345Trp) variant (OMIM). (I) 0201 - Variant is predicted to cause nonsense-mediated decay (NMD) and loss of protein (premature termination codon is located at least 54 nucleotides upstream of the final exon-exon junction). (SP) 0251 - This variant is heterozygous. (I) 0301 - Variant is absent from gnomAD (both v2 and v3). (SP) 0703 - Other NMD-predicted variants comparable to the one identified in this case have moderate previous evidence for pathogenicity, and have been observed as homozygous or compound heterozygous in individuals with connective tissue disorders (ClinVar, PMIDs: 33807164, 31792352). (SP) 0807 - This variant has no previous evidence of pathogenicity. (I) 0905 - No published segregation evidence has been identified for this variant. (I) 1007 - No published functional evidence has been identified for this variant. (I) 1208 - Inheritance information for this variant is not currently available in this individual. (I) Legend: (SP) - Supporting pathogenic, (I) - Information, (SB) - Supporting benign

Literature cited by the submitters: PubMed 22031286; PubMed 31792352; PubMed 33807164; PubMed 34923728.

NM_001039348.3(EFEMP1):c.121C>T (p.Gln41Ter)

Gene: EFEMP1 (EGF containing fibulin extracellular matrix protein 1; minus strand). Cytogenetic location: 2p16.1.
Variant type: single nucleotide variant.
Coding change: c.121C>T on transcript NM_001039348.3 (MANE Select); coding-DNA position 121, C replaced by T.
Protein change: p.Gln41Ter; replaces glutamine 41 with a stop codon.
Molecular consequence: nonsense.
Genome position (GRCh38, 1-based): chr2:55,918,228, G>A on the plus strand (C>T on the coding strand, the complement: EFEMP1 is on the minus strand). VCF-style: chr2-55918228-G-A. GRCh37 (hg19) VCF-style: chr2-56145363-G-A.
Other names: c.121C>T, p.Gln41Ter (NM_001039349.3); short protein forms Q41*.
Identifiers: ClinVar variation 3376736 (VCV003376736.1).